The following is an entry in ClinVar:

ClinVar aggregate classification (germline): Conflicting classifications of pathogenicity. Review status: criteria provided, conflicting classifications (1 of 4 stars). 5 submissions from 5 submitters: Uncertain significance (1); Likely benign (4). Last evaluated 2025-08-20.

Conditions:
TBXAS1-related disorder. Also called: TBXAS1-related condition.
Inborn genetic diseases. Identifiers: MedGen C0950123, MeSH D030342.

Allele frequency attached by ClinVar (database versions not stated): gnomAD exomes 0.00011 and 0.00031; ExAC 0.00035; 1000 Genomes Project 30x 0.00078; 1000 Genomes Project 0.00100; ESP Exome Variant Server 0.00123; gnomAD 0.00137 and 0.00143; TOPMed 0.00153.
gnomAD v4.1: 375 of 1,614,226 alleles (0.023%); highest among the groups gnomAD compares: African/African-American, 0.46%; 1 homozygote.

Submissions (5):

Labcorp Genetics (formerly Invitae), Labcorp
Classification: Likely benign. Last evaluated: 2025-08-20. Review status: criteria provided, single submitter. Criteria: Invitae Variant Classification Sherloc (09022015). Collection method: clinical testing. Allele origin: germline.

PreventionGenetics, part of Exact Sciences
Classification: Likely benign for TBXAS1-related condition. Last evaluated: 2025-07-23. Review status: criteria provided, single submitter. Criteria: ACMG Guidelines, 2015. Collection method: clinical testing. Allele origin: germline.
Comment: This variant is classified as likely benign based on ACMG/AMP sequence variant interpretation guidelines (Richards et al. 2015 PMID: 25741868, with internal and published modifications).

Mayo Clinic Laboratories, Mayo Clinic
Classification: Likely benign. Last evaluated: 2024-10-28. Review status: criteria provided, single submitter. Criteria: ACMG Guidelines, 2015. Collection method: clinical testing. Allele origin: germline. Observed: 1 variant allele.
Comment: BS1, BP4

Women's Health and Genetics/Laboratory Corporation of America, LabCorp
Classification: Likely benign. Last evaluated: 2024-09-04. Review status: criteria provided, single submitter. Criteria: LabCorp Variant Classification Summary - May 2015. Collection method: clinical testing. Allele origin: germline.
Comment: Variant summary: TBXAS1 c.592C>G (p.Pro198Ala) results in a non-conservative amino acid change in the encoded protein sequence. Four of five in-silico tools predict a benign effect of the variant on protein function. The variant allele was found at a frequency of 0.00031 in 251454 control chromosomes, predominantly at a frequency of 0.0042 within the African or African-American subpopulation in the gnomAD database. The observed variant frequency within African or African-American control individuals in the gnomAD database exceeds the estimated maximal expected allele frequency for a pathogenic variant in TBXAS1 causing Ghosal Hematodiaphyseal Dysplasia phenotype. To our knowledge, no occurrence of c.592C>G in individuals affected with Ghosal Hematodiaphyseal Dysplasia and no experimental evidence demonstrating its impact on protein function have been reported. ClinVar contains an entry for this variant (Variation ID: 1578028). Based on the evidence outlined above, the variant was classified as likely benign.

Ambry Genetics
Classification: Uncertain significance for Inborn genetic diseases. Last evaluated: 2024-07-31. Review status: criteria provided, single submitter. Criteria: Ambry Variant Classification Scheme 2023. Collection method: clinical testing. Allele origin: germline.

NM_001061.7(TBXAS1):c.592C>G (p.Pro198Ala)

Gene: TBXAS1 (thromboxane A synthase 1; plus strand). Cytogenetic location: 7q34.
Variant type: single nucleotide variant.
Coding change: c.592C>G on transcript NM_001061.7 (MANE Select); coding-DNA position 592, C replaced by G.
Protein change: p.Pro198Ala; replaces proline 198 with alanine.
Molecular consequence: missense variant.
Genome position (GRCh38, 1-based): chr7:139,955,511, C>G. VCF-style: chr7-139955511-C-G. GRCh37 (hg19) VCF-style: chr7-139655310-C-G.
Other names: p.Pro198Ala; c.595C>G (NM_001061.4); c.592C>G, p.Pro198Ala (NM_001130966.5, NM_030984.6); c.730C>G, p.Pro244Ala (NM_001166253.4); c.391C>G, p.Pro131Ala (NM_001166254.4); c.535C>G, p.Pro179Ala (NM_001314028.4); c.409C>G, p.Pro137Ala (NM_001366537.3); c.592C>G (NM_001061.6); short protein forms P131A, P137A, P179A, P198A, P244A.
Identifiers: ClinVar variation 1578028 (VCV001578028.12), dbSNP rs138612126, ClinGen allele CA4511726.